The following is an entry in ClinVar:

ClinVar aggregate classification (germline): Uncertain significance (1 of 4 stars; one submission).

gnomAD v4.1: 7 of 1,602,464 alleles (0.00044%); highest among the groups gnomAD compares: African/African-American, 0.008%; no homozygotes.

Submission:

Women's Health and Genetics/Laboratory Corporation of America, LabCorp
Classification: Uncertain significance. Last evaluated: 2026-01-15. Review status: criteria provided, single submitter. Criteria: LabCorp Variant Classification Summary - May 2015. Collection method: clinical testing. Allele origin: germline.
Comment: Variant summary: EIF5A c.-685C>T is located in the untranscribed region upstream of the EIF5A gene region. The variant allele was found at a frequency of 8.5e-06 in 234676 control chromosomes. The available data on variant occurrences in the general population are insufficient to allow any conclusion about variant significance. To our knowledge, no occurrence of c.-685C>T in individuals affected with EIF5A-related conditions and no experimental evidence demonstrating its impact on protein function have been reported. No submitters have cited clinical-significance assessments for this variant to ClinVar. Based on the evidence outlined above, the variant was classified as uncertain significance.

NM_001970.5(EIF5A):c.-685C>T

Gene: EIF5A (eukaryotic translation initiation factor 5A; plus strand). Cytogenetic location: 17p13.1.
Variant type: single nucleotide variant.
Coding change: c.-685C>T on transcript NM_001970.5 (MANE Select); 685 bases upstream of the start codon, C replaced by T.
Molecular consequence: genic upstream transcript variant. On other transcripts: missense variant (1), 5 prime UTR variant (1).
Genome position (GRCh38, 1-based): chr17:7,307,089, C>T. VCF-style: chr17-7307089-C-T. GRCh37 (hg19) VCF-style: chr17-7210408-C-T.
Other names: c.43C>T, p.Pro15Ser (NM_001143760.1); c.-46C>T (NM_001370420.1); short protein forms P15S.
Identifiers: ClinVar variation 4689360 (VCV004689360.1).
Genomic context (GRCh38, chr17:7,307,089, plus strand): 5'-GAAAGACATCTCCCGCGCATGTGTGGAACTGGGGGGACTGATTCCAAGACAAGGCGCCCA[C>T]CCCACAGAGCAAGTTTTCTGAAACGTGTGAGTCGTTTAAGTCCAGTTAAAGCCGAGGTGG-3'